The following is an entry in ClinVar:

NM_015910.7(WDPCP):c.704A>C (p.His235Pro)

Gene: WDPCP (WD repeat containing planar cell polarity effector; minus strand). Cytogenetic location: 2p15.
Variant type: single nucleotide variant.
Coding change: c.704A>C on transcript NM_015910.7 (MANE Select); coding-DNA position 704, A replaced by C.
Protein change: p.His235Pro; replaces histidine 235 with proline.
Molecular consequence: missense variant. On other transcripts: non-coding transcript variant (3).
Genome position (GRCh38, 1-based): chr2:63,433,866, T>G on the plus strand (A>C on the coding strand, the complement: WDPCP is on the minus strand). VCF-style: chr2-63433866-T-G. GRCh37 (hg19) VCF-style: chr2-63661000-T-G.
Other names: c.704A>C, p.His235Pro (NM_001354045.2); c.704A>C (NM_015910.5); c.227A>C, p.His76Pro (NM_001042692.3); c.632A>C, p.His211Pro (NM_001354044.2); short protein forms H76P, H211P, H235P.
Identifiers: ClinVar variation 1393108 (VCV001393108.7), dbSNP rs567879550, ClinGen allele CA49236692.

ClinVar aggregate classification (germline): Uncertain significance. Review status: criteria provided, multiple submitters, no conflicts (2 of 4 stars). 2 submissions from 2 submitters: Uncertain significance (2). Last evaluated 2026-09-24.

Conditions:
Bardet-Biedl syndrome (BBS). Identifiers: Orphanet 110, MedGen C0752166, MONDO:0015229.
WDPCP-related disorder. Also called: WDPCP-related condition.

Allele frequency attached by ClinVar (database versions not stated): gnomAD exomes below 0.00001.
gnomAD v4.1: 2 of 1,614,040 alleles (0.00012%); highest among the groups gnomAD compares: African/African-American, 0.0027%; no homozygotes.

Submissions (2):

PreventionGenetics, part of Exact Sciences
Classification: Uncertain significance for WDPCP-related condition. Last evaluated: 2026-09-24. Review status: criteria provided, single submitter. Criteria: ACMG Guidelines, 2015. Collection method: clinical testing. Allele origin: germline.
Comment: The WDPCP c.704A>C variant is predicted to result in the amino acid substitution p.His235Pro. To our knowledge, this variant has not been reported in the literature or in a large population database (gnomAD), indicating this variant is rare. At this time, the clinical significance of this variant is uncertain due to the absence of conclusive functional and genetic evidence.

Labcorp Genetics (formerly Invitae), Labcorp
Classification: Uncertain significance for Bardet-Biedl syndrome. Last evaluated: 2022-08-16. Review status: criteria provided, single submitter. Criteria: Invitae Variant Classification Sherloc (09022015). Collection method: clinical testing. Allele origin: germline.
Comment: In summary, the available evidence is currently insufficient to determine the role of this variant in disease. Therefore, it has been classified as a Variant of Uncertain Significance. Algorithms developed to predict the effect of missense changes on protein structure and function (SIFT, PolyPhen-2, Align-GVGD) all suggest that this variant is likely to be tolerated. ClinVar contains an entry for this variant (Variation ID: 1393108). This variant has not been reported in the literature in individuals affected with WDPCP-related conditions. This variant is not present in population databases (gnomAD no frequency). This sequence change replaces histidine, which is basic and polar, with proline, which is neutral and non-polar, at codon 235 of the WDPCP protein (p.His235Pro).